The following is an entry in ClinVar:

NM_000071.3(CBS):c.1525G>A (p.Ala509Thr)

Gene: CBS (cystathionine beta-synthase; minus strand). Cytogenetic location: 21q22.3.
Variant type: single nucleotide variant.
Coding change: c.1525G>A on transcript NM_000071.3 (MANE Select); coding-DNA position 1525, G replaced by A.
Protein change: p.Ala509Thr; replaces alanine 509 with threonine.
Molecular consequence: missense variant.
Genome position (GRCh38, 1-based): chr21:43,056,830, C>T on the plus strand (G>A on the coding strand, the complement: CBS is on the minus strand). VCF-style: chr21-43056830-C-T. GRCh37 (hg19) VCF-style: chr21-44476940-C-T.
Other names: c.1525G>A, p.Ala509Thr (NM_001178008.3, NM_001178009.3, NM_001320298.2); c.1210G>A, p.Ala404Thr (NM_001321072.1); short protein forms A509T, A404T.
Identifiers: ClinVar variation 405371 (VCV000405371.10), dbSNP rs1060500680, ClinGen allele CA16616509.

ClinVar aggregate classification (germline): Uncertain significance. Review status: criteria provided, multiple submitters, no conflicts (2 of 4 stars). 3 submissions from 3 submitters: Uncertain significance (2). 1 of the submissions does not count toward it. Last evaluated 2024-05-02.

Conditions:
HYPERHOMOCYSTEINEMIA, THROMBOTIC, CBS-RELATED. Identifiers: MedGen C3150344, OMIM 236200.
Classic homocystinuria. Also called: Homocystinuria due to CBS deficiency; Cystathionine beta-synthase deficiency; CBS deficiency; Homocystinuria due to Cystathionine Beta-Synthase Deficiency; HOMOCYSTINURIA WITH OR WITHOUT RESPONSE TO PYRIDOXINE. Identifiers: Orphanet 394, MedGen C0751202, MONDO:0009352, OMIM 236200.
Familial thoracic aortic aneurysm and aortic dissection (TAAD). Also called: Thoracic aortic aneurysms and dissections. Identifiers: Orphanet 91387, MedGen C4707243, MONDO:0019625.

Allele frequency attached by ClinVar (database versions not stated): gnomAD exomes 0.00001; gnomAD 0.00006.

Submissions (3):

Ambry Genetics
Classification: Uncertain significance for Familial thoracic aortic aneurysm and aortic dissection. Last evaluated: 2024-05-02. Review status: criteria provided, single submitter. Criteria: Ambry Variant Classification Scheme 2023. Collection method: clinical testing. Allele origin: germline.
Comment: The p.A509T variant (also known as c.1525G>A), located in coding exon 14 of the CBS gene, results from a G to A substitution at nucleotide position 1525. The alanine at codon 509 is replaced by threonine, an amino acid with similar properties. This amino acid position is conserved. In addition, this alteration is predicted to be deleterious by in silico analysis. Based on the available evidence, the clinical significance of this variant remains unclear.

Labcorp Genetics (formerly Invitae), Labcorp
Classification: Uncertain significance for HYPERHOMOCYSTEINEMIA, THROMBOTIC, CBS-RELATED. Last evaluated: 2022-09-27. Review status: criteria provided, single submitter. Criteria: Invitae Variant Classification Sherloc (09022015). Collection method: clinical testing. Allele origin: germline.
Comment: This sequence change replaces alanine, which is neutral and non-polar, with threonine, which is neutral and polar, at codon 509 of the CBS protein (p.Ala509Thr). This variant is present in population databases (no rsID available, gnomAD 0.006%). This variant has not been reported in the literature in individuals affected with CBS-related conditions. ClinVar contains an entry for this variant (Variation ID: 405371). Advanced modeling of protein sequence and biophysical properties (such as structural, functional, and spatial information, amino acid conservation, physicochemical variation, residue mobility, and thermodynamic stability) performed at Invitae indicates that this missense variant is expected to disrupt CBS protein function. In summary, the available evidence is currently insufficient to determine the role of this variant in disease. Therefore, it has been classified as a Variant of Uncertain Significance.

Natera, Inc.
Classification: Uncertain significance for Homocystinuria due to cystathionine beta-synthase deficiency. Last evaluated: 2020-08-05. Review status: no assertion criteria provided. Collection method: clinical testing. Allele origin: germline. Not counted in ClinVar's aggregate classification.